The following is an entry in ClinVar:

ClinVar aggregate classification (germline): Uncertain significance. Review status: criteria provided, multiple submitters, no conflicts (2 of 4 stars). 2 submissions from 2 submitters: Uncertain significance (2). Last evaluated 2025-08-11.

Conditions:
Dyskeratosis congenita, autosomal recessive 6 (DKCB6). Identifiers: MedGen C4225356, MONDO:0014600, OMIM 616353.
Pulmonary fibrosis and/or bone marrow failure, Telomere-related, 4. Also called: PULMONARY FIBROSIS AND/OR BONE MARROW FAILURE SYNDROME, TELOMERE-RELATED, 4. Identifiers: Orphanet 2032, MedGen C4225347, MONDO:0014612, OMIM 616371.
Inborn genetic diseases. Identifiers: MedGen C0950123, MeSH D030342.

Submissions (2):

Ambry Genetics
Classification: Uncertain significance for Inborn genetic diseases. Last evaluated: 2025-08-11. Review status: criteria provided, single submitter. Criteria: Ambry Variant Classification Scheme 2023. Collection method: clinical testing. Allele origin: germline.

Labcorp Genetics (formerly Invitae), Labcorp
Classification: Uncertain significance for Dyskeratosis congenita, autosomal recessive 6; Pulmonary fibrosis and/or bone marrow failure, Telomere-related, 4. Last evaluated: 2024-11-14. Review status: criteria provided, single submitter. Criteria: Invitae Variant Classification Sherloc (09022015). Collection method: clinical testing. Allele origin: germline.
Comment: This sequence change replaces arginine, which is basic and polar, with threonine, which is neutral and polar, at codon 252 of the PARN protein (p.Arg252Thr). This variant is not present in population databases (gnomAD no frequency). This variant has not been reported in the literature in individuals affected with PARN-related conditions. Invitae Evidence Modeling of protein sequence and biophysical properties (such as structural, functional, and spatial information, amino acid conservation, physicochemical variation, residue mobility, and thermodynamic stability) indicates that this missense variant is not expected to disrupt PARN protein function with a negative predictive value of 80%. In summary, the available evidence is currently insufficient to determine the role of this variant in disease. Therefore, it has been classified as a Variant of Uncertain Significance.

NM_002582.4(PARN):c.755G>C (p.Arg252Thr)

Gene: PARN (poly(A)-specific ribonuclease; minus strand). Cytogenetic location: 16p13.12.
Variant type: single nucleotide variant.
Coding change: c.755G>C on transcript NM_002582.4 (MANE Select); coding-DNA position 755, G replaced by C.
Protein change: p.Arg252Thr; replaces arginine 252 with threonine.
Molecular consequence: missense variant.
Genome position (GRCh38, 1-based): chr16:14,604,174, C>G on the plus strand (G>C on the coding strand, the complement: PARN is on the minus strand). VCF-style: chr16-14604174-C-G. GRCh37 (hg19) VCF-style: chr16-14698031-C-G.
Other names: c.755G>C (NM_002582.3); c.572G>C, p.Arg191Thr (NM_001134477.3); c.617G>C, p.Arg206Thr (NM_001242992.2); short protein forms R191T, R206T, R252T.
Identifiers: ClinVar variation 3762956 (VCV003762956.3).